The following is an entry in ClinVar:

NM_007294.4(BRCA1):c.1336del (p.Arg446fs)

Gene: BRCA1 (BRCA1 DNA repair associated; minus strand). Cytogenetic location: 17q21.31.
Variant type: Deletion.
Coding change: c.1336del on transcript NM_007294.4 (MANE Select); coding-DNA position 1336, one base deleted (A; older notation c.1336delA).
Protein change: p.Arg446fs; shifts the reading frame from arginine 446.
Molecular consequence: frameshift variant. On other transcripts: intron variant (137).
Genome position (GRCh38, 1-based): chr17:43,094,195, T deleted on the plus strand (A on the coding strand, the reverse complement: BRCA1 is on the minus strand); the first of 3 consecutive T bases (chr17:43,094,195-43,094,197); deleting any one gives the same sequence. VCF-style (leftmost placement, unchanged base first): chr17-43094194-CT-C. GRCh37 (hg19) VCF-style: chr17-41246211-CT-C.
Other names: 1455delA; c.1003del, p.Arg335fs (NM_001407948.1, NM_001407949.1, NM_001407950.1 and 6 more transcripts); c.1000del, p.Arg334fs (NM_001407954.1, NM_001407955.1, NM_001407956.1 and 1 more transcripts); c.955del, p.Arg319fs (NM_001407959.1, NM_001407960.1, NM_001407963.1); c.952del, p.Arg318fs (NM_001407962.1); c.1192del, p.Arg398fs (NM_001407964.1, NM_001407740.1, NM_001407741.1 and 20 more transcripts); c.832del, p.Arg278fs (NM_001407965.1); c.448del, p.Arg150fs (NM_001407966.1, NM_001407967.1); and 42 more; short protein forms R446fs, R399fs, R150fs, R334fs, R335fs, R376fs, R420fs, R357fs.
Identifiers: ClinVar variation 266158 (VCV000266158.7), dbSNP rs80357978, ClinGen allele CA10589947.

ClinVar aggregate classification (germline): Pathogenic. Review status: reviewed by expert panel (3 of 4 stars). 2 submissions from 2 submitters: Pathogenic (1). 1 of the submissions does not count toward it. Last evaluated 2016-10-18.

Conditions:
Breast-ovarian cancer, familial, susceptibility to, 1 (BROVCA1). Also called: BRCA1 Hereditary Breast and Ovarian Cancer; OVARIAN CANCER, SUSCEPTIBILITY TO. Identifiers: Orphanet 145, MedGen C2676676, MONDO:0011450, OMIM 604370. Disease mechanism: loss of function.

Submissions (2):

Evidence-based Network for the Interpretation of Germline Mutant Alleles (ENIGMA)
Classification: Pathogenic for Breast-ovarian cancer, familial, susceptibility to, 1. Last evaluated: 2016-10-18. Review status: reviewed by expert panel. Criteria: ENIGMA BRCA1/2 Classification Criteria (2015). Collection method: curation. Allele origin: germline.
Comment: Variant allele predicted to encode a truncated non-functional protein.

Consortium of Investigators of Modifiers of BRCA1/2 (CIMBA), c/o University of Cambridge
Classification: Pathogenic for Breast-ovarian cancer, familial, susceptibility to, 1. Last evaluated: 2015-10-02. Review status: criteria provided, single submitter. Criteria: CIMBA Mutation Classification guidelines May 2016. Collection method: clinical testing. Allele origin: germline. Not counted in ClinVar's aggregate classification.